The following is an entry in ClinVar:

ClinVar aggregate classification (germline): Pathogenic (1 of 4 stars; one submission).

Conditions:
Immunodeficiency 104. Also called: Severe Combined Immune Deficiency, Autosomal Recessive, TCell -Negative, B Cell-Positive, NK Cell-Positive, IL7R-Related; Severe combined immunodeficiency, autosomal recessive, T cell-negative, B cell-positive, NK cell-positive; SCID, AUTOSOMAL RECESSIVE, T CELL-NEGATIVE, B CELL-POSITIVE, NK CELL-POSITIVE; IMMUNODEFICIENCY 104, SEVERE COMBINED. Identifiers: MedGen C5676890, MONDO:0012163, OMIM 608971.

Submission:

Lupski Lab, Baylor-Hopkins CMG, Baylor College of Medicine
Classification: Pathogenic for Immunodeficiency 104. Last evaluated: 2014-07-16. Review status: criteria provided, single submitter. Criteria: Bayer et al. (Clin Exp Immunol 2014). Collection method: research. Allele origin: inherited. Inheritance: Autosomal recessive inheritance. Affected: yes and no. Observed: 2 variant alleles, 1 heterozygote, 1 compound heterozygote.
Comment: segregates with the phenotype in an affected family

Single allele

Gene: IL7R (interleukin 7 receptor; plus strand). Cytogenetic location: 5p13.2.
Variant type: Deletion.
Identifiers: ClinVar variation 224842 (VCV000224842.1).